The following is an entry in ClinVar:

ClinVar aggregate classification (germline): Uncertain significance (1 of 4 stars; one submission).

Conditions:
Inborn genetic diseases. Identifiers: MedGen C0950123, MeSH D030342.

Submission:

Ambry Genetics
Classification: Uncertain significance for Inborn genetic diseases. Last evaluated: 2018-08-14. Review status: criteria provided, single submitter. Criteria: Ambry Variant Classification Scheme 2023. Collection method: clinical testing. Allele origin: germline.
Comment: The p.G1365C variant (also known as c.4093G>T), located in coding exon 21 of the SCN1A gene, results from a G to T substitution at nucleotide position 4093. The glycine at codon 1365 is replaced by cysteine, an amino acid with highly dissimilar properties. This amino acid position is highly conserved in available vertebrate species. In addition, this alteration is predicted to be deleterious by in silico analysis. Since supporting evidence is limited at this time, the clinical significance of this alteration remains unclear.

NM_001165963.4(SCN1A):c.4093G>T (p.Gly1365Cys)

Genes: SCN1A (sodium voltage-gated channel alpha subunit 1; minus strand), LOC102724058 (uncharacterized LOC102724058; plus strand). Cytogenetic location: 2q24.3.
Variant type: single nucleotide variant.
Coding change: c.4093G>T on transcript NM_001165963.4 (MANE Select); coding-DNA position 4093, G replaced by T.
Protein change: p.Gly1365Cys; replaces glycine 1365 with cysteine.
Molecular consequence: missense variant. On other transcripts: non-coding transcript variant (1).
Genome position (GRCh38, 1-based): chr2:166,002,663, C>A on the plus strand (G>T on the coding strand, the complement: SCN1A is on the minus strand). VCF-style: chr2-166002663-C-A. GRCh37 (hg19) VCF-style: chr2-166859173-C-A.
Other names: c.4009G>T, p.Gly1337Cys (NM_001165964.3, NM_001353957.2, NM_001353958.2); c.4093G>T, p.Gly1365Cys (NM_001202435.3, NM_001353948.2); c.4060G>T, p.Gly1354Cys (NM_001353949.2, NM_001353950.2, NM_001353951.2 and 2 more transcripts); c.4057G>T, p.Gly1353Cys (NM_001353954.2, NM_001353955.2); c.4006G>T, p.Gly1336Cys (NM_001353960.2); c.1651G>T, p.Gly551Cys (NM_001353961.2); short protein forms G1353C, G1365C, G1336C, G1337C, G1354C, G551C.
Identifiers: ClinVar variation 1737768 (VCV001737768.2), dbSNP rs2468437011, ClinGen allele CA349050486.
Genomic context (GRCh38, chr2:166,002,663, plus strand): 5'-ACCTGTCACCAGTTGTGGTGTTAATACAGTGGTAGAATTTGCCAGCAAACAAATTTACGC[C>A]CATGATGCTGAAAATTAGCCAGAATATAAGACAAACCAGAAGCACATTCATGATGGATGG-3'
Protein context (NP_001159435.1, residues 1355-1375): LIFWLIFSIM[Gly1365Cys]VNLFAGKFYH